The following is an entry in ClinVar:

ClinVar aggregate classification (germline): Uncertain significance (1 of 4 stars; one submission).

Conditions:
Singleton-Merten syndrome 1 (SGMRT1). Also called: Widened medullary cavities of bone, aortic calcification, abnormal dentition, and muscular weakness; Syndrome of widened medullary cavities of the metacarpals and phalanges, aortic calcification and abnormal dentition. Identifiers: Orphanet 85191, MedGen C4225427, MONDO:0024535, OMIM 182250.
Aicardi-Goutieres syndrome 7 (AGS7). Identifiers: Orphanet 51, MedGen C3888244, MONDO:0014367, OMIM 615846.

Submission:

Labcorp Genetics (formerly Invitae), Labcorp
Classification: Uncertain significance for Aicardi-Goutieres syndrome 7; Singleton-Merten syndrome 1. Last evaluated: 2024-12-07. Review status: criteria provided, single submitter. Criteria: Invitae Variant Classification Sherloc (09022015). Collection method: clinical testing. Allele origin: germline.
Comment: This sequence change replaces phenylalanine, which is neutral and non-polar, with serine, which is neutral and polar, at codon 1010 of the IFIH1 protein (p.Phe1010Ser). This variant is not present in population databases (gnomAD no frequency). This variant has not been reported in the literature in individuals affected with IFIH1-related conditions. Invitae Evidence Modeling of protein sequence and biophysical properties (such as structural, functional, and spatial information, amino acid conservation, physicochemical variation, residue mobility, and thermodynamic stability) has been performed for this missense variant. However, the output from this modeling did not meet the statistical confidence thresholds required to predict the impact of this variant on IFIH1 protein function. In summary, the available evidence is currently insufficient to determine the role of this variant in disease. Therefore, it has been classified as a Variant of Uncertain Significance.

NM_022168.4(IFIH1):c.3029T>C (p.Phe1010Ser)

Gene: IFIH1 (interferon induced with helicase C domain 1; minus strand). Cytogenetic location: 2q24.2.
Variant type: single nucleotide variant.
Coding change: c.3029T>C on transcript NM_022168.4 (MANE Select); coding-DNA position 3029, T replaced by C.
Protein change: p.Phe1010Ser; replaces phenylalanine 1010 with serine.
Molecular consequence: missense variant.
Genome position (GRCh38, 1-based): chr2:162,267,249, A>G on the plus strand (T>C on the coding strand, the complement: IFIH1 is on the minus strand). VCF-style: chr2-162267249-A-G. GRCh37 (hg19) VCF-style: chr2-163123759-A-G.
Other names: short protein forms F1010S.
Identifiers: ClinVar variation 3753611 (VCV003753611.2).
Genomic context (GRCh38, chr2:162,267,249, plus strand): 5'-TCAATCAAGTGCTAATCCTCATCACTAAATAAACAGCATTCTGAATAGTCAAGATTGGGA[A>G]ATGTGATAGGTAATTCTACCCACTTTTTGTATTGTTTCTTTGTTGAATTATTTTTGAAAA-3'
Protein context (NP_071451.2, residues 1000-1020): YKKWVELPIT[Phe1010Ser]PNLDYSECCL